The following is an entry in ClinVar:

ClinVar aggregate classification (germline): Uncertain significance (1 of 4 stars; one submission).

Conditions:
Inborn genetic diseases. Identifiers: MedGen C0950123, MeSH D030342.

gnomAD v4.1: 1 of 1,613,654 alleles (0.000062%); highest among the groups gnomAD compares: Non-Finnish European, 0.000085%; no homozygotes.

Submission:

Ambry Genetics
Classification: Uncertain significance for Inborn genetic diseases. Last evaluated: 2025-06-22. Review status: criteria provided, single submitter. Criteria: Ambry Variant Classification Scheme 2023. Collection method: clinical testing. Allele origin: germline.
Comment: The p.S415F variant (also known as c.1244C>T), located in coding exon 7 of the ERCC6L2 gene, results from a C to T substitution at nucleotide position 1244. The serine at codon 415 is replaced by phenylalanine, an amino acid with highly dissimilar properties. This amino acid position is conserved. In addition, the in silico prediction for this alteration is inconclusive. Based on the available evidence, the clinical significance of this variant remains unclear.

NM_020207.7(ERCC6L2):c.1244C>T (p.Ser415Phe)

Gene: ERCC6L2 (ERCC excision repair 6 like 2; plus strand). Cytogenetic location: 9q22.32.
Variant type: single nucleotide variant.
Coding change: c.1244C>T on transcript NM_020207.7 (MANE Select); coding-DNA position 1244, C replaced by T.
Protein change: p.Ser415Phe; replaces serine 415 with phenylalanine.
Molecular consequence: missense variant. On other transcripts: non-coding transcript variant (1).
Genome position (GRCh38, 1-based): chr9:95,921,260, C>T. VCF-style: chr9-95921260-C-T. GRCh37 (hg19) VCF-style: chr9-98683542-C-T.
Other names: c.1244C>T, p.Ser415Phe (NM_001010895.4, NM_001375291.1, NM_001375292.1 and 2 more transcripts); short protein forms S415F.
Identifiers: ClinVar variation 4250552 (VCV004250552.1).